The following is an entry in ClinVar:

ClinVar aggregate classification (germline): Pathogenic (1 of 4 stars; one submission).

Conditions:
Progressive myoclonic epilepsy. Also called: Familial progressive myoclonic epilepsy; Myoclonic Epilepsies, Progressive; Progressive myoclonus epilepsy; Myoclonus epilepsy. Identifiers: Orphanet 308, Orphanet 98261, MedGen C0751778, MONDO:0020074.

Submission:

Labcorp Genetics (formerly Invitae), Labcorp
Classification: Pathogenic for Progressive myoclonic epilepsy. Last evaluated: 2023-10-06. Review status: criteria provided, single submitter. Criteria: Invitae Variant Classification Sherloc (09022015). Collection method: clinical testing. Allele origin: germline.
Comment: This sequence change creates a premature translational stop signal (p.Tyr75Valfs*2) in the GOSR2 gene. It is expected to result in an absent or disrupted protein product. Loss-of-function variants in GOSR2 are known to be pathogenic (PMID: 21549339). This variant is present in population databases (no rsID available, gnomAD 0.007%). This variant has not been reported in the literature in individuals affected with GOSR2-related conditions. For these reasons, this variant has been classified as Pathogenic.

Literature cited by the submitters: PubMed 21549339.

NM_004287.5(GOSR2):c.221dup (p.Tyr75fs)

Genes: GOSR2 (golgi SNAP receptor complex member 2; plus strand), LRRC37A2 (leucine rich repeat containing 37 member A2), LOC126862578 (BRD4-independent group 4 enhancer GRCh37_chr17:45008344-45009543; plus strand). Cytogenetic location: 17q21.32.
Variant type: Duplication.
Coding change: c.221dup on transcript NM_004287.5 (MANE Select); coding-DNA position 221, one base duplicated (A; older notation c.221dupA).
Protein change: p.Tyr75fs; shifts the reading frame from tyrosine 75.
Molecular consequence: frameshift variant. On other transcripts: non-coding transcript variant (3).
Genome position (GRCh38, 1-based): chr17:46,932,084, A duplicated; the last of 3 consecutive A bases (chr17:46,932,082-46,932,084); duplicating any one gives the same sequence. VCF-style (leftmost placement, unchanged base first): chr17-46932081-T-TA. GRCh37 (hg19) VCF-style: chr17-45009447-T-TA.
Other names: c.221dup, p.Tyr75fs (NM_001012511.3, NM_001321133.2, NM_001330252.2 and 1 more transcripts); c.167dup, p.Tyr57fs (NM_001321134.2, NM_001363851.2); c.218dup, p.Tyr74fs (NM_001353114.2, NM_001353115.2, NM_001353116.2); short protein forms Y74fs, Y57fs, Y75fs.
Identifiers: ClinVar variation 2797676 (VCV002797676.3), dbSNP rs1176366316, ClinGen allele CA500411556.